The following is an entry in ClinVar:

ClinVar aggregate classification (germline): Uncertain significance (1 of 4 stars; one submission).

Submission:

Women's Health and Genetics/Laboratory Corporation of America, LabCorp
Classification: Uncertain significance. Last evaluated: 2026-06-05. Review status: criteria provided, single submitter. Criteria: LabCorp Variant Classification Summary - May 2015. Collection method: clinical testing. Allele origin: germline.
Comment: Variant summary: TG c.6780A>G (p.Pro2260Pro) alters a non-conserved nucleotide located close to a canonical splice site and therefore could affect mRNA splicing, leading to a significantly altered protein sequence. Consensus agreement among computation tools predict no significant impact on normal splicing. However, these predictions have yet to be confirmed by functional studies. The variant was absent in 249118 control chromosomes. The available data on variant occurrences in the general population are insufficient to allow any conclusion about variant significance. To our knowledge, no occurrence of c.6780A>G in individuals affected with TG-related conditions and no experimental evidence demonstrating its impact on protein function have been reported. No submitters have cited clinical-significance assessments for this variant to ClinVar. Based on the evidence outlined above, the variant was classified as uncertain significance.

NM_003235.5(TG):c.6780A>G (p.Pro2260=)

Gene: TG (thyroglobulin; plus strand). Cytogenetic location: 8q24.22.
Variant type: single nucleotide variant.
Coding change: c.6780A>G on transcript NM_003235.5 (MANE Select); coding-DNA position 6780, A replaced by G.
Protein change: p.Pro2260=; no amino-acid change (proline 2260 retained).
Molecular consequence: synonymous variant.
Genome position (GRCh38, 1-based): chr8:133,017,995, A>G. VCF-style: chr8-133017995-A-G. GRCh37 (hg19) VCF-style: chr8-134030240-A-G.
Identifiers: ClinVar variation 4887495 (VCV004887495.1).